The following is an entry in ClinVar:

NM_001244008.2(KIF1A):c.75G>C (p.Lys25Asn)

Gene: KIF1A (kinesin family member 1A; minus strand). Cytogenetic location: 2q37.3.
Variant type: single nucleotide variant.
Coding change: c.75G>C on transcript NM_001244008.2 (MANE Select); coding-DNA position 75, G replaced by C.
Protein change: p.Lys25Asn; replaces lysine 25 with asparagine.
Molecular consequence: missense variant.
Genome position (GRCh38, 1-based): chr2:240,797,678, C>G on the plus strand (G>C on the coding strand, the complement: KIF1A is on the minus strand). VCF-style: chr2-240797678-C-G. GRCh37 (hg19) VCF-style: chr2-241737095-C-G.
Other names: c.75G>C, p.Lys25Asn (NM_001320705.2, NM_001330289.2, NM_001330290.2 and 20 more transcripts); short protein forms K25N.
Identifiers: ClinVar variation 335286 (VCV000335286.12), dbSNP rs768320178, ClinGen allele CA2208916.
Genomic context (GRCh38, chr2:240,797,678, plus strand): 5'-ACCCCGATGCTGTGCAGGCTGATACTCACTGGTGGTGCTTCCAGACATCTGAATGATGCA[C>G]TTGGAGTCACGGCTCATTTCCCGGGAATTGAAGGGGCGGACCCGCACCGCCACCTTCACC-3'
Protein context (NP_001230937.1, residues 15-35): FNSREMSRDS[Lys25Asn]CIIQMSGSTT

ClinVar aggregate classification (germline): Uncertain significance (1 of 4 stars; one submission).

Conditions:
Hereditary spastic paraplegia 30. Identifiers: Orphanet 101010, MedGen C5235139, MONDO:0012476.
Neuropathy, hereditary sensory, type 2C. Also called: KIF1A-Related HSAN2 (HSAN2C); Hereditary sensory and autonomic neuropathy type IIC. Identifiers: Orphanet 970, MedGen C3280168, MONDO:0013634, OMIM 614213.
Intellectual disability, autosomal dominant 9 (NESCAVS). Also called: KIF1A-Related Neurodevelopmental Disorder; NESCAV SYNDROME. Identifiers: Orphanet 662367, MedGen C5393830, MONDO:0013656, OMIM 614255.

Allele frequency attached by ClinVar (database versions not stated): gnomAD exomes below 0.00001 and 0.00001; TOPMed below 0.00001; ExAC 0.00001; gnomAD 0.00001.
gnomAD v4.1: 8 of 1,612,802 alleles (0.0005%); highest among the groups gnomAD compares: Non-Finnish European, 0.00068%; no homozygotes.

Submission:

Labcorp Genetics (formerly Invitae), Labcorp
Classification: Uncertain significance for Hereditary spastic paraplegia 30; Neuropathy, hereditary sensory, type 2C; Intellectual disability, autosomal dominant 9. Last evaluated: 2024-08-14. Review status: criteria provided, single submitter. Criteria: Invitae Variant Classification Sherloc (09022015). Collection method: clinical testing. Allele origin: germline.
Comment: This sequence change replaces lysine, which is basic and polar, with asparagine, which is neutral and polar, at codon 25 of the KIF1A protein (p.Lys25Asn). This variant is present in population databases (rs768320178, gnomAD 0.0009%). This variant has not been reported in the literature in individuals affected with KIF1A-related conditions. ClinVar contains an entry for this variant (Variation ID: 335286). Invitae Evidence Modeling of protein sequence and biophysical properties (such as structural, functional, and spatial information, amino acid conservation, physicochemical variation, residue mobility, and thermodynamic stability) indicates that this missense variant is expected to disrupt KIF1A protein function with a positive predictive value of 95%. In summary, the available evidence is currently insufficient to determine the role of this variant in disease. Therefore, it has been classified as a Variant of Uncertain Significance.